The following is an entry in ClinVar:

NM_053025.4(MYLK):c.23C>T (p.Ala8Val)

Gene: MYLK (myosin light chain kinase; minus strand). Cytogenetic location: 3q21.1.
Variant type: single nucleotide variant.
Coding change: c.23C>T on transcript NM_053025.4 (MANE Select); coding-DNA position 23, C replaced by T.
Protein change: p.Ala8Val; replaces alanine 8 with valine.
Molecular consequence: missense variant. On other transcripts: 5 prime UTR variant (1).
Genome position (GRCh38, 1-based): chr3:123,793,819, G>A on the plus strand (C>T on the coding strand, the complement: MYLK is on the minus strand). VCF-style: chr3-123793819-G-A. GRCh37 (hg19) VCF-style: chr3-123512666-G-A.
Other names: c.-298C>T (NM_001321309.2); c.23C>T, p.Ala8Val (NM_053026.4, NM_053027.4, NM_053028.4); short protein forms A8V.
Identifiers: ClinVar variation 2452946 (VCV002452946.2), dbSNP rs1291689727, ClinGen allele CA354237345.
Genomic context (GRCh38, chr3:123,793,819, plus strand): 5'-GGCATGGAGTCAACTCTTGAGGGATCCACACTGAGGGAGGTTTTGGAAATGTGTGACGAG[G>A]CAACCAGCTTCACATCCCCCATGGTCTGCAAAAAGGAAGGAAGAGGACAAGGTCAGATCA-3'
Protein context (NP_444253.3, residues 1-18): MGDVKLV[Ala8Val]SSHISKTSLS

ClinVar aggregate classification (germline): Uncertain significance (1 of 4 stars; one submission).

Conditions:
Familial thoracic aortic aneurysm and aortic dissection (TAAD). Also called: Thoracic aortic aneurysms and dissections. Identifiers: Orphanet 91387, MedGen C4707243, MONDO:0019625.

Allele frequency attached by ClinVar (database versions not stated): gnomAD 0.00001; TOPMed 0.00001.
gnomAD v4.1: 1 of 1,614,082 alleles (0.000062%); highest among the groups gnomAD compares: Non-Finnish European, 0.000085%; no homozygotes.

Submission:

Ambry Genetics
Classification: Uncertain significance for Familial thoracic aortic aneurysm and aortic dissection. Last evaluated: 2022-11-15. Review status: criteria provided, single submitter. Criteria: Ambry Variant Classification Scheme 2023. Collection method: clinical testing. Allele origin: germline.
Comment: The p.A8V variant (also known as c.23C>T), located in coding exon 1 of the MYLK gene, results from a C to T substitution at nucleotide position 23. The alanine at codon 8 is replaced by valine, an amino acid with similar properties. This amino acid position is conserved. In addition, this alteration is predicted to be tolerated by in silico analysis. Since supporting evidence is limited at this time, the clinical significance of this alteration remains unclear.